The following is an entry in ClinVar:

ClinVar aggregate classification (germline): Pathogenic (3 of 4 stars; one submission).

Conditions:
Breast-ovarian cancer, familial, susceptibility to, 1 (BROVCA1). Also called: BRCA1 Hereditary Breast and Ovarian Cancer; OVARIAN CANCER, SUSCEPTIBILITY TO. Identifiers: Orphanet 145, MedGen C2676676, MONDO:0011450, OMIM 604370. Disease mechanism: loss of function.

Submission:

Evidence-based Network for the Interpretation of Germline Mutant Alleles (ENIGMA)
Classification: Pathogenic for Breast-ovarian cancer, familial, susceptibility to, 1. Last evaluated: 2017-12-15. Review status: reviewed by expert panel. Criteria: ENIGMA BRCA1/2 Classification Criteria (2017-06-29). Collection method: curation. Allele origin: germline. Study: ENIGMA.
Comment: Variant allele predicted to encode a truncated non-functional protein.

NM_007294.4(BRCA1):c.2312_2313insC (p.Leu771fs)

Gene: BRCA1 (BRCA1 DNA repair associated; minus strand). Cytogenetic location: 17q21.31.
Variant type: Insertion.
Coding change: c.2312_2313insC on transcript NM_007294.4 (MANE Select); coding-DNA positions 2312 to 2313, C inserted.
Protein change: p.Leu771fs; shifts the reading frame from leucine 771.
Molecular consequence: frameshift variant. On other transcripts: intron variant (137).
Genome position: GRCh38 VCF-style: chr17-43093218-C-CG. GRCh37 (hg19) VCF-style: chr17-41245235-C-CG.
Other names: c.2045_2046insC, p.Leu682fs (NM_001407932.1, NM_001407934.1, NM_001407936.1 and 2 more transcripts); c.2168_2169insC, p.Leu723fs (NM_001407943.1, NM_001407964.1, NM_001407745.1 and 20 more transcripts); c.2171_2172insC, p.Leu724fs (NM_001407944.1, NM_001407945.1, NM_007297.4 and 29 more transcripts); c.1979_1980insC, p.Leu660fs (NM_001407946.1, NM_001407947.1, NM_001407948.1 and 6 more transcripts); c.1928_1929insC, p.Leu643fs (NM_001407962.1); c.1931_1932insC, p.Leu644fs (NM_001407963.1, NM_001407959.1, NM_001407960.1); c.1808_1809insC, p.Leu603fs (NM_001407965.1); c.1424_1425insC, p.Leu475fs (NM_001407966.1, NM_001407967.1); and 41 more; short protein forms L771fs, L724fs, L475fs, L644fs, L703fs, L768fs, L683fs, L700fs.
Identifiers: ClinVar variation 548229 (VCV000548229.2), dbSNP rs1555589935, ClinGen allele CA658824012.